The following is an entry in ClinVar:

ClinVar aggregate classification (germline): Benign/Likely benign. Review status: criteria provided, multiple submitters, no conflicts (2 of 4 stars). 4 submissions from 4 submitters: Benign (1); Likely benign (3). Last evaluated 2026-01-19.

Allele frequency attached by ClinVar (database versions not stated): 1000 Genomes Project 0.00379; 1000 Genomes Project 30x 0.00422; gnomAD 0.00639; gnomAD exomes 0.00672 and 0.00853; ExAC 0.00705; ESP Exome Variant Server 0.00833.
gnomAD v4.1: 13,304 of 1,609,338 alleles (0.83%); highest among the groups gnomAD compares: Non-Finnish European, 0.98%; 70 homozygotes.

Submissions (4):

Labcorp Genetics (formerly Invitae), Labcorp
Classification: Benign. Last evaluated: 2026-01-19. Review status: criteria provided, single submitter. Criteria: Invitae Variant Classification Sherloc (09022015). Collection method: clinical testing. Allele origin: germline.

CeGaT Center for Human Genetics Tuebingen
Classification: Likely benign. Last evaluated: 2025-11-01. Review status: criteria provided, single submitter. Criteria: CeGaT Center For Human Genetics Tuebingen Variant Classification Criteria Version 2. Collection method: clinical testing. Allele origin: germline. Affected: yes. Observed: 7 variant alleles.
Comment: TRIOBP: BP4, BS2

GeneDx
Classification: Likely benign. Last evaluated: 2018-07-09. Review status: criteria provided, single submitter. Criteria: GeneDx Variant Classification Process June 2021. Collection method: clinical testing. Allele origin: germline. Affected: yes.

Breakthrough Genomics
Classification: Likely benign. Review status: criteria provided, single submitter. Criteria: ACMG Guidelines, 2015. Collection method: not provided. Allele origin: germline. Inheritance: Autosomal recessive inheritance. Affected: yes.

NM_001039141.3(TRIOBP):c.2234G>A (p.Arg745Lys)

Gene: TRIOBP (TRIO and F-actin binding protein; plus strand). Cytogenetic location: 22q13.1.
Variant type: single nucleotide variant.
Coding change: c.2234G>A on transcript NM_001039141.3 (MANE Select); coding-DNA position 2234, G replaced by A.
Protein change: p.Arg745Lys; replaces arginine 745 with lysine.
Molecular consequence: missense variant.
Genome position (GRCh38, 1-based): chr22:37,724,790, G>A. VCF-style: chr22-37724790-G-A. GRCh37 (hg19) VCF-style: chr22-38120797-G-A.
Other names: short protein forms R745K.
Identifiers: ClinVar variation 1216253 (VCV001216253.35), dbSNP rs150690007, ClinGen allele CA10223826.
Genomic context (GRCh38, chr22:37,724,790, plus strand): 5'-CCCGACGGGACAATCCCAGAGCCTCCTCTCGCAACAGAACCATCCAGCGAGACAACCCCA[G>A]AACATCCTGTGCCCAGCGGGACAATCCCAGAGCCTCCTCTCCTAACAGAACCATCCAACA-3'
Protein context (NP_001034230.1, residues 735-755): RNRTIQRDNP[Arg745Lys]TSCAQRDNPR